The following is an entry in ClinVar:

ClinVar aggregate classification (germline): Conflicting classifications of pathogenicity. Review status: criteria provided, conflicting classifications (1 of 4 stars). 6 submissions from 6 submitters: Uncertain significance (2); Likely benign (4). Last evaluated 2026-01-27.

Conditions:
Hereditary cancer-predisposing syndrome. Also called: Tumor predisposition; Hereditary Cancer Syndrome; Neoplastic Syndromes, Hereditary; Hereditary neoplastic syndrome. Identifiers: Orphanet 140162, MedGen C0027672, MeSH D009386, MONDO:0015356.
Tuberous sclerosis 2 (TSC2). Identifiers: Orphanet 805, MedGen C1860707, MONDO:0013199, OMIM 613254.
Tuberous sclerosis syndrome (TSC). Also called: Tuberous Sclerosis Complex; Tuberous sclerosis. Identifiers: Orphanet 805, MedGen C0041341, MONDO:0001734.

Allele frequency attached by ClinVar (database versions not stated): gnomAD exomes below 0.00001; TOPMed below 0.00001; ExAC 0.00001.

Submissions (6):

Labcorp Genetics (formerly Invitae), Labcorp
Classification: Likely benign for Tuberous sclerosis 2. Last evaluated: 2026-01-27. Review status: criteria provided, single submitter. Criteria: Invitae Variant Classification Sherloc (09022015). Collection method: clinical testing. Allele origin: germline.

All of Us Research Program, National Institutes of Health
Classification: Uncertain significance for Tuberous sclerosis syndrome. Last evaluated: 2024-07-10. Review status: criteria provided, single submitter. Criteria: ACMG Guidelines, 2015. Collection method: clinical testing. Allele origin: germline. Inheritance: Autosomal dominant inheritance. Observed: 1 variant allele, 1 heterozygote.
Comment: This missense variant replaces lysine with arginine at codon 351 of the TSC2 protein. Computational prediction suggests that this variant may not impact protein structure and function (internally defined REVEL score threshold <= 0.5, PMID: 27666373). To our knowledge, functional studies have not been reported for this variant. This variant has not been reported in individuals affected with TSC2-related disorders in the literature. This variant has been identified in 1/251282 chromosomes in the general population by the Genome Aggregation Database (gnomAD). The available evidence is insufficient to determine the role of this variant in disease conclusively. Therefore, this variant is classified as a Variant of Uncertain Significance.

This study involves interpretation of variants in research participants for the purpose of population health screening. Participant phenotype was not available at the time of variant classification. Additional details can be found in publication PMID: 35346344, PMCID: PMC8962531

Color Diagnostics, LLC DBA Color Health
Classification: Uncertain significance for Tuberous sclerosis syndrome. Last evaluated: 2024-03-28. Review status: criteria provided, single submitter. Criteria: ACMG Guidelines, 2015. Collection method: clinical testing. Allele origin: germline.
Comment: This missense variant replaces lysine with arginine at codon 351 of the TSC2 protein. Computational prediction suggests that this variant may not impact protein structure and function (internally defined REVEL score threshold <= 0.5, PMID: 27666373). To our knowledge, functional studies have not been reported for this variant. This variant has not been reported in individuals affected with TSC2-related disorders in the literature. This variant has been identified in 1/251282 chromosomes in the general population by the Genome Aggregation Database (gnomAD). The available evidence is insufficient to determine the role of this variant in disease conclusively. Therefore, this variant is classified as a Variant of Uncertain Significance.

Genome-Nilou Lab
Classification: Likely benign for Tuberous sclerosis 2. Last evaluated: 2021-11-07. Review status: criteria provided, single submitter. Criteria: ACMG Guidelines, 2015. Collection method: clinical testing. Allele origin: germline. Affected: no.

Blueprint Genetics
Classification: Likely benign. Last evaluated: 2018-06-05. Review status: criteria provided, single submitter. Criteria: ACMG Guidelines, 2015. Collection method: clinical testing. Allele origin: germline.

Ambry Genetics
Classification: Likely benign for Hereditary cancer-predisposing syndrome. Last evaluated: 2017-04-25. Review status: criteria provided, single submitter. Criteria: Ambry Variant Classification Scheme 2023. Collection method: clinical testing. Allele origin: germline.

NM_000548.5(TSC2):c.1052A>G (p.Lys351Arg)

Gene: TSC2 (TSC complex subunit 2; plus strand). Cytogenetic location: 16p13.3.
Variant type: single nucleotide variant.
Coding change: c.1052A>G on transcript NM_000548.5 (MANE Select); coding-DNA position 1052, A replaced by G.
Protein change: p.Lys351Arg; replaces lysine 351 with arginine.
Molecular consequence: missense variant.
Genome position (GRCh38, 1-based): chr16:2,060,746, A>G. VCF-style: chr16-2060746-A-G. GRCh37 (hg19) VCF-style: chr16-2110747-A-G.
Other names: c.1052A>G, p.Lys351Arg (NM_001077183.3, NM_001114382.3, NM_001363528.2 and 3 more transcripts); c.941A>G, p.Lys314Arg (NM_001318827.2); c.905A>G, p.Lys302Arg (NM_001318829.2); c.452A>G, p.Lys151Arg (NM_001318831.2); c.1085A>G, p.Lys362Arg (NM_001318832.2); short protein forms K351R, K151R, K314R, K362R, K302R.
Identifiers: ClinVar variation 486650 (VCV000486650.22), dbSNP rs748109163, ClinGen allele CA028047.